The following is an entry in ClinVar:

NM_013275.6(ANKRD11):c.5959T>C (p.Phe1987Leu)

Gene: ANKRD11 (ankyrin repeat domain containing 11; minus strand). Cytogenetic location: 16q24.3.
Variant type: single nucleotide variant.
Coding change: c.5959T>C on transcript NM_013275.6 (MANE Select); coding-DNA position 5959, T replaced by C.
Protein change: p.Phe1987Leu; replaces phenylalanine 1987 with leucine.
Molecular consequence: missense variant.
Genome position (GRCh38, 1-based): chr16:89,280,583, A>G on the plus strand (T>C on the coding strand, the complement: ANKRD11 is on the minus strand). VCF-style: chr16-89280583-A-G. GRCh37 (hg19) VCF-style: chr16-89346991-A-G.
Other names: c.5959T>C, p.Phe1987Leu (NM_001256182.2, NM_001256183.2); short protein forms F1987L.
Identifiers: ClinVar variation 3345897 (VCV003345897.1).

ClinVar aggregate classification (germline): Uncertain significance (0 of 4 stars; one submission).

Conditions:
ANKRD11-related disorder. Also called: ANKRD11-related condition.

Submission:

PreventionGenetics, part of Exact Sciences
Classification: Uncertain significance for ANKRD11-related condition. Last evaluated: 2024-07-18. Review status: no assertion criteria provided. Collection method: clinical testing. Allele origin: germline.
Comment: The ANKRD11 c.5959T>C variant is predicted to result in the amino acid substitution p.Phe1987Leu. To our knowledge, this variant has not been reported in the literature or in a large population database, indicating this variant is rare. At this time, the clinical significance of this variant is uncertain due to the absence of conclusive functional and genetic evidence.